The following is an entry in ClinVar:

NM_004304.5(ALK):c.3833A>G (p.Tyr1278Cys)

Gene: ALK (ALK receptor tyrosine kinase; minus strand). Cytogenetic location: 2p23.2.
Variant type: single nucleotide variant.
Coding change: c.3833A>G on transcript NM_004304.5 (MANE Select); coding-DNA position 3833, A replaced by G.
Protein change: p.Tyr1278Cys; replaces tyrosine 1278 with cysteine.
Molecular consequence: missense variant.
Genome position (GRCh38, 1-based): chr2:29,209,789, T>C on the plus strand (A>G on the coding strand, the complement: ALK is on the minus strand). VCF-style: chr2-29209789-T-C. GRCh37 (hg19) VCF-style: chr2-29432655-T-C.
Other names: c.629A>G, p.Tyr210Cys (NM_001353765.2); short protein forms Y210C, Y1278C.
Identifiers: ClinVar variation 2601823 (VCV002601823.5), dbSNP rs863225285, ClinGen allele CA346469534.

ClinVar aggregate classification (germline): Uncertain significance. Review status: criteria provided, multiple submitters, no conflicts (2 of 4 stars). 2 submissions from 2 submitters: Uncertain significance (2). Last evaluated 2025-01-21.

Conditions:
Hereditary cancer-predisposing syndrome. Also called: Tumor predisposition; Neoplastic Syndromes, Hereditary; Hereditary Cancer Syndrome; Hereditary neoplastic syndrome. Identifiers: Orphanet 140162, MedGen C0027672, MeSH D009386, MONDO:0015356.
Neuroblastoma, susceptibility to, 3. Also called: ALK-Related Neuroblastic Tumor Susceptibility. Identifiers: Orphanet 635, MedGen C2751681, MONDO:0013083, OMIM 613014.

Allele frequency attached by ClinVar (database versions not stated): gnomAD exomes below 0.00001.
gnomAD v4.1: 2 of 1,613,840 alleles (0.00012%); highest among the groups gnomAD compares: Non-Finnish European, 0.00017%; no homozygotes.

Submissions (2):

Labcorp Genetics (formerly Invitae), Labcorp
Classification: Uncertain significance for Neuroblastoma, susceptibility to, 3. Last evaluated: 2025-01-21. Review status: criteria provided, single submitter. Criteria: Invitae Variant Classification Sherloc (09022015). Collection method: clinical testing. Allele origin: germline.
Comment: This sequence change replaces tyrosine, which is neutral and polar, with cysteine, which is neutral and slightly polar, at codon 1278 of the ALK protein (p.Tyr1278Cys). This variant is not present in population databases (gnomAD no frequency). This variant has not been reported in the literature in individuals affected with ALK-related conditions. ClinVar contains an entry for this variant (Variation ID: 2601823). An algorithm developed to predict the effect of missense changes on protein structure and function (PolyPhen-2) suggests that this variant is likely to be disruptive. In summary, the available evidence is currently insufficient to determine the role of this variant in disease. Therefore, it has been classified as a Variant of Uncertain Significance.

Ambry Genetics
Classification: Uncertain significance for Hereditary cancer-predisposing syndrome. Last evaluated: 2023-06-30. Review status: criteria provided, single submitter. Criteria: Ambry Variant Classification Scheme 2023. Collection method: clinical testing. Allele origin: germline.
Comment: The p.Y1278C variant (also known as c.3833A>G), located in coding exon 25 of the ALK gene, results from an A to G substitution at nucleotide position 3833. The tyrosine at codon 1278 is replaced by cysteine, an amino acid with highly dissimilar properties. This amino acid position is highly conserved in available vertebrate species. In addition, this alteration is predicted to be deleterious by in silico analysis. Since supporting evidence is limited at this time, the clinical significance of this alteration remains unclear.